The following is an entry in ClinVar:

NC_000005.9:g.(?_70895466)_(70895607_?)del

Gene: MCCC2 (methylcrotonyl-CoA carboxylase subunit 2; plus strand). Cytogenetic location: 5q13.2.
Variant type: Deletion.
Identifiers: ClinVar variation 1067879 (VCV001067879.7).

ClinVar aggregate classification (germline): Pathogenic (1 of 4 stars; one submission).

Conditions:
3-methylcrotonyl-CoA carboxylase 2 deficiency. Also called: METHYLCROTONYLGLYCINURIA, TYPE II; 3 alpha methylcrotonyl-CoA carboxylase 2 deficiency; 3 alpha methylcrotonylglycinuria 2; MCC 2 deficiency; Methylcrotonylglycinuria type 2. Identifiers: Orphanet 6, MedGen C1859499, MONDO:0008862, OMIM 210210.

Submission:

Labcorp Genetics (formerly Invitae), Labcorp
Classification: Pathogenic for 3-methylcrotonyl-CoA carboxylase 2 deficiency. Last evaluated: 2023-10-29. Review status: criteria provided, single submitter. Criteria: Invitae Variant Classification Sherloc (09022015). Collection method: clinical testing. Allele origin: germline.
Comment: This variant is a gross deletion of the genomic region encompassing exon(s) 4 of the MCCC2 gene. This variant would be expected to be in-frame, preserving the integrity of the reading frame. This variant has not been reported in the literature in individuals affected with MCCC2-related conditions. This variant disrupts a region of the MCCC2 protein in which other variant(s) (p.Glu99Gln) have been determined to be pathogenic (PMID: 11181649, 11406611, 22642865). This suggests that this is a clinically significant region of the protein, and that variants that disrupt it are likely to be disease-causing. For these reasons, this variant has been classified as Pathogenic.

Literature cited by the submitters: PubMed 11181649; PubMed 11406611; PubMed 22642865.